The following is an entry in ClinVar:

ClinVar aggregate classification (germline): Uncertain significance. Review status: criteria provided, multiple submitters, no conflicts (2 of 4 stars). 3 submissions from 3 submitters: Uncertain significance (3). Last evaluated 2025-08-26.

Conditions:
Inborn genetic diseases. Identifiers: MedGen C0950123, MeSH D030342.
Paroxysmal nonkinesigenic dyskinesia. Also called: Paroxysmal non-kinesigenic dyskinesia. Identifiers: Orphanet 98810, MedGen C1869117, MONDO:0700088.

Allele frequency attached by ClinVar (database versions not stated): ExAC 0.00002; gnomAD 0.00002; TOPMed 0.00003; gnomAD exomes 0.00005; ESP Exome Variant Server 0.00015.
gnomAD v4.1: 78 of 1,613,756 alleles (0.0048%); highest among the groups gnomAD compares: Non-Finnish European, 0.0059%; no homozygotes.

Submissions (3):

Ambry Genetics
Classification: Uncertain significance for Inborn genetic diseases. Last evaluated: 2025-08-26. Review status: criteria provided, single submitter. Criteria: Ambry Variant Classification Scheme 2023. Collection method: clinical testing. Allele origin: germline.

CeGaT Center for Human Genetics Tuebingen
Classification: Uncertain significance. Last evaluated: 2025-05-01. Review status: criteria provided, single submitter. Criteria: CeGaT Center For Human Genetics Tuebingen Variant Classification Criteria Version 2. Collection method: clinical testing. Allele origin: germline. Affected: yes. Observed: 1 variant allele.

Labcorp Genetics (formerly Invitae), Labcorp
Classification: Uncertain significance for Paroxysmal nonkinesigenic dyskinesia. Last evaluated: 2024-07-29. Review status: criteria provided, single submitter. Criteria: Invitae Variant Classification Sherloc (09022015). Collection method: clinical testing. Allele origin: germline.
Comment: This sequence change replaces aspartic acid, which is acidic and polar, with asparagine, which is neutral and polar, at codon 137 of the PNKD protein (p.Asp137Asn). This variant is present in population databases (rs139792709, gnomAD 0.004%). This variant has not been reported in the literature in individuals affected with PNKD-related conditions. ClinVar contains an entry for this variant (Variation ID: 653927). Advanced modeling of protein sequence and biophysical properties (such as structural, functional, and spatial information, amino acid conservation, physicochemical variation, residue mobility, and thermodynamic stability) performed at Invitae indicates that this missense variant is not expected to disrupt PNKD protein function with a negative predictive value of 80%. In summary, the available evidence is currently insufficient to determine the role of this variant in disease. Therefore, it has been classified as a Variant of Uncertain Significance.

NM_015488.5(PNKD):c.409G>A (p.Asp137Asn)

Genes: PNKD (PNKD metallo-beta-lactamase domain containing; plus strand), CATIP-AS2 (CATIP antisense RNA 2; minus strand). Cytogenetic location: 2q35.
Variant type: single nucleotide variant.
Coding change: c.409G>A on transcript NM_015488.5 (MANE Select); coding-DNA position 409, G replaced by A.
Protein change: p.Asp137Asn; replaces aspartic acid 137 with asparagine.
Molecular consequence: missense variant.
Genome position (GRCh38, 1-based): chr2:218,340,085, G>A. VCF-style: chr2-218340085-G-A. GRCh37 (hg19) VCF-style: chr2-219204808-G-A.
Other names: c.337G>A, p.Asp113Asn (NM_022572.5); short protein forms D137N, D113N.
Identifiers: ClinVar variation 653927 (VCV000653927.19), dbSNP rs139792709, ClinGen allele CA2103940.